The following is an entry in ClinVar:

NM_015662.3(IFT172):c.191G>A (p.Arg64Lys)

Gene: IFT172 (intraflagellar transport 172; minus strand). Cytogenetic location: 2p23.3.
Variant type: single nucleotide variant.
Coding change: c.191G>A on transcript NM_015662.3 (MANE Select); coding-DNA position 191, G replaced by A.
Protein change: p.Arg64Lys; replaces arginine 64 with lysine.
Molecular consequence: missense variant.
Genome position (GRCh38, 1-based): chr2:27,485,123, C>T on the plus strand (G>A on the coding strand, the complement: IFT172 is on the minus strand). VCF-style: chr2-27485123-C-T. GRCh37 (hg19) VCF-style: chr2-27707990-C-T.
Other names: c.191G>A, p.Arg64Lys (NM_001410739.1); short protein forms R64K.
Identifiers: ClinVar variation 4989834 (VCV004989834.1).

ClinVar aggregate classification (germline): Uncertain significance (1 of 4 stars; one submission).

Conditions:
IFT172-related disorder. Also called: IFT172-related disorders; IFT172-related condition.

Submission:

PreventionGenetics, part of Exact Sciences
Classification: Uncertain significance for IFT172-related condition. Last evaluated: 2026-09-16. Review status: criteria provided, single submitter. Criteria: ACMG Guidelines, 2015. Collection method: clinical testing. Allele origin: germline.
Comment: The IFT172 c.191G>A variant is predicted to result in the amino acid substitution p.Arg64Lys. To our knowledge, this variant has not been reported in the literature or in a large population database (gnomAD), indicating this variant is rare. At this time, the clinical significance of this variant is uncertain due to the absence of conclusive functional and genetic evidence.